The following is an entry in ClinVar:

NM_000238.4(KCNH2):c.58C>G (p.Arg20Gly)

Gene: KCNH2 (potassium voltage-gated channel subfamily H member 2; minus strand). Cytogenetic location: 7q36.1.
Variant type: single nucleotide variant.
Coding change: c.58C>G on transcript NM_000238.4 (MANE Select); coding-DNA position 58, C replaced by G.
Protein change: p.Arg20Gly; replaces arginine 20 with glycine.
Molecular consequence: missense variant.
Genome position (GRCh38, 1-based): chr7:150,977,856, G>C on the plus strand (C>G on the coding strand, the complement: KCNH2 is on the minus strand). VCF-style: chr7-150977856-G-C. GRCh37 (hg19) VCF-style: chr7-150674944-G-C.
Other names: c.58C>G (LRG_288t1); c.58C>G, p.Arg20Gly (NM_172056.3); short protein forms R20G.
Identifiers: ClinVar variation 67513 (VCV000067513.10), dbSNP rs199473486, ClinGen allele CA008617.

ClinVar aggregate classification (germline): Uncertain significance. Review status: criteria provided, multiple submitters, no conflicts (2 of 4 stars). 3 submissions from 3 submitters: Uncertain significance (2). 1 of the submissions does not count toward it. Last evaluated 2021-01-09.

Conditions:
Familial long QT syndrome (RWS). Also called: Congenital long QT syndrome; Romano-Ward syndrome; VENTRICULAR FIBRILLATION WITH PROLONGED QT INTERVAL. Identifiers: Orphanet 768, MedGen C1141890, MONDO:0019171.
Long QT syndrome (LQTS). Identifiers: MedGen C0023976, MeSH D008133, MONDO:0002442. Disease mechanism: loss of function. Inheritance: Various modes of inheritance.

Submissions (3):

Labcorp Genetics (formerly Invitae), Labcorp
Classification: Uncertain significance for Long QT syndrome. Last evaluated: 2021-01-09. Review status: criteria provided, single submitter. Criteria: Invitae Variant Classification Sherloc (09022015). Collection method: clinical testing. Allele origin: germline.
Comment: This sequence change replaces arginine with glycine at codon 20 of the KCNH2 protein (p.Arg20Gly). The arginine residue is weakly conserved and there is a moderate physicochemical difference between arginine and glycine. In summary, the available evidence is currently insufficient to determine the role of this variant in disease. Therefore, it has been classified as a Variant of Uncertain Significance. Experimental studies have shown that this variant affects KCNH2 protein function (PMID: 25417810). This variant has been observed in individual(s) referred for testing for long QT syndrome (PMID: 19716085). ClinVar contains an entry for this variant (Variation ID: 67513). This variant is not present in population databases (ExAC no frequency).

GeneDx
Classification: Uncertain significance. Last evaluated: 2020-04-22. Review status: criteria provided, single submitter. Criteria: GeneDx Variant Classification Process June 2021. Collection method: clinical testing. Allele origin: germline. Affected: yes.
Comment: Not observed in large population cohorts (Lek et al., 2016); In silico analysis supports that this missense variant has a deleterious effect on protein structure/function; This variant is associated with the following publications: (PMID: 22581653, 19716085, 25417810)

Cardiovascular Biomedical Research Unit, Royal Brompton & Harefield NHS Foundation Trust
No classification provided. Condition: Familial long QT syndrome. Review status: no classification provided. Collection method: literature only. Allele origin: germline. Not counted in ClinVar's aggregate classification.
Comment: This variant has been reported as associated with Long QT syndrome in the following publications (PMID:19716085). This is a literature report, and does not necessarily reflect the clinical interpretation of the Imperial College / Royal Brompton Cardiovascular Genetics laboratory.

Literature cited by the submitters: PubMed 25417810 (cited by Labcorp Genetics (formerly Invitae), Labcorp); PubMed 19716085 (cited by Labcorp Genetics (formerly Invitae), Labcorp and Cardiovascular Biomedical Research Unit, Royal Brompton & Harefield NHS Foundation Trust); PubMed 22581653 (cited by Cardiovascular Biomedical Research Unit, Royal Brompton & Harefield NHS Foundation Trust).